The following is an entry in ClinVar:

NM_002474.3(MYH11):c.4680C>T (p.Asp1560=)

Genes: MYH11 (myosin heavy chain 11; minus strand), NDE1 (nudE neurodevelopment protein 1; plus strand). Cytogenetic location: 16p13.11.
Variant type: single nucleotide variant.
Coding change: c.4680C>T on transcript NM_002474.3 (MANE Select); coding-DNA position 4680, C replaced by T.
Protein change: p.Asp1560=; no amino-acid change (aspartic acid 1560 retained).
Molecular consequence: synonymous variant. On other transcripts: intron variant (2).
Genome position (GRCh38, 1-based): chr16:15,720,950, G>A on the plus strand (C>T on the coding strand, the complement: MYH11 is on the minus strand). VCF-style: chr16-15720950-G-A. GRCh37 (hg19) VCF-style: chr16-15814807-G-A.
Other names: c.4701C>T, p.Asp1567= (NM_001040113.2, NM_001040114.2); c.4680C>T, p.Asp1560= (NM_022844.3); c.948-3241G>A (NM_001143979.2, NM_017668.3).
Identifiers: ClinVar variation 386684 (VCV000386684.55), dbSNP rs142613263, ClinGen allele CA7921586.

ClinVar aggregate classification (germline): Likely benign. Review status: criteria provided, multiple submitters, no conflicts (2 of 4 stars). 10 submissions from 10 submitters: Likely benign (8). 2 of the submissions do not count toward it. Last evaluated 2026-04-01.

Conditions:
Familial thoracic aortic aneurysm and aortic dissection (TAAD). Also called: Thoracic aortic aneurysms and dissections. Identifiers: Orphanet 91387, MedGen C4707243, MONDO:0019625.
Aortic aneurysm, familial thoracic 4 (AAT4). Also called: AORTIC ANEURYSM/AORTIC DISSECTION AND PATENT DUCTUS ARTERIOSUS. Identifiers: MedGen C1851504, MONDO:0007568, OMIM 132900.

Allele frequency attached by ClinVar (database versions not stated): ExAC 0.00005; gnomAD exomes 0.00006 and 0.00008; ESP Exome Variant Server 0.00008; gnomAD 0.00011 and 0.00012; TOPMed 0.00014; 1000 Genomes Project 0.00020; 1000 Genomes Project 30x 0.00031.
gnomAD v4.1: 138 of 1,613,946 alleles (0.0086%); highest among the groups gnomAD compares: Admixed American, 0.02%; no homozygotes.

Submissions (10):

CeGaT Center for Human Genetics Tuebingen
Classification: Likely benign. Last evaluated: 2026-04-01. Review status: criteria provided, single submitter. Criteria: CeGaT Center For Human Genetics Tuebingen Variant Classification Criteria Version 2. Collection method: clinical testing. Allele origin: germline. Affected: yes. Observed: 13 variant alleles.
Comment: MYH11: BP4, BP7

Labcorp Genetics (formerly Invitae), Labcorp
Classification: Likely benign for Aortic aneurysm, familial thoracic 4. Last evaluated: 2025-10-16. Review status: criteria provided, single submitter. Criteria: Invitae Variant Classification Sherloc (09022015). Collection method: clinical testing. Allele origin: germline.

All of Us Research Program, National Institutes of Health
Classification: Likely benign for Familial thoracic aortic aneurysm and aortic dissection. Last evaluated: 2024-01-11. Review status: criteria provided, single submitter. Criteria: ACMG Guidelines, 2015. Collection method: clinical testing. Allele origin: germline. Inheritance: Autosomal dominant inheritance. Observed: 11 variant alleles, 11 heterozygotes.
Comment: This study involves interpretation of variants in research participants for the purpose of population health screening. Participant phenotype was not available at the time of variant classification. Additional details can be found in publication PMID: 35346344, PMCID: PMC8962531

Blueprint Genetics
Classification: Likely benign. Last evaluated: 2023-01-30. Review status: criteria provided, single submitter. Criteria: ACMG Guidelines, 2015. Collection method: clinical testing. Allele origin: germline.

GeneDx
Classification: Likely benign. Last evaluated: 2020-11-11. Review status: criteria provided, single submitter. Criteria: GeneDx Variant Classification Process June 2021. Collection method: clinical testing. Allele origin: germline. Affected: yes.

Color Diagnostics, LLC DBA Color Health
Classification: Likely benign for Familial thoracic aortic aneurysm and aortic dissection. Last evaluated: 2018-11-25. Review status: criteria provided, single submitter. Criteria: ACMG Guidelines, 2015. Collection method: clinical testing. Allele origin: germline.

Ambry Genetics
Classification: Likely benign for Familial thoracic aortic aneurysm and aortic dissection. Last evaluated: 2016-10-31. Review status: criteria provided, single submitter. Criteria: Ambry Variant Classification Scheme 2023. Collection method: clinical testing. Allele origin: germline.

Breakthrough Genomics
Classification: Likely benign. Review status: criteria provided, single submitter. Criteria: ACMG Guidelines, 2015. Collection method: not provided. Allele origin: germline. Inheritance: Autosomal recessive inheritance. Affected: yes.

Clinical Genetics DNA and cytogenetics Diagnostics Lab, Erasmus MC, Erasmus Medical Center
Classification: Likely benign. Review status: no assertion criteria provided. Collection method: clinical testing. Allele origin: germline. Affected: yes. Study: VKGL Data-share Consensus. Not counted in ClinVar's aggregate classification.

Genome Diagnostics Laboratory, Amsterdam University Medical Center
Classification: Likely benign. Review status: no assertion criteria provided. Collection method: clinical testing. Allele origin: germline. Affected: yes. Study: VKGL Data-share Consensus. Not counted in ClinVar's aggregate classification.